The following is an entry in ClinVar:

ClinVar aggregate classification (germline): Conflicting classifications of pathogenicity. Review status: criteria provided, conflicting classifications (1 of 4 stars). 5 submissions from 5 submitters: Uncertain significance (3); Likely benign (1). 1 of the submissions does not count toward it. Last evaluated 2025-12-23.

Conditions:
SBF1-related disorder. Also called: SBF1-related condition.
Charcot-Marie-Tooth disease type 4B3. Also called: CHARCOT-MARIE-TOOTH DISEASE, DEMYELINATING, TYPE 4B3; Charcot-Marie-Tooth Neuropathy Type 4B3. Identifiers: Orphanet 363981, MedGen C3695063, MONDO:0014117, OMIM 615284.

Allele frequency attached by ClinVar (database versions not stated): gnomAD exomes 0.00018 and 0.00044; ExAC 0.00049; 1000 Genomes Project 0.00120; 1000 Genomes Project 30x 0.00125; gnomAD 0.00188 and 0.00206; TOPMed 0.00205; ESP Exome Variant Server 0.00241.
gnomAD v4.1: 559 of 1,607,150 alleles (0.035%); highest among the groups gnomAD compares: African/African-American, 0.69%; 2 homozygotes.

Submissions (5):

Labcorp Genetics (formerly Invitae), Labcorp
Classification: Likely benign. Last evaluated: 2025-12-23. Review status: criteria provided, single submitter. Criteria: Invitae Variant Classification Sherloc (09022015). Collection method: clinical testing. Allele origin: germline.

Ambry Genetics
Classification: Uncertain significance. Last evaluated: 2025-11-13. Review status: criteria provided, single submitter. Criteria: Ambry Variant Classification Scheme 2023. Collection method: clinical testing. Allele origin: germline.

Mayo Clinic Laboratories, Mayo Clinic
Classification: Uncertain significance. Last evaluated: 2024-03-19. Review status: criteria provided, single submitter. Criteria: ACMG Guidelines, 2015. Collection method: clinical testing. Allele origin: germline. Observed: 1 variant allele.
Comment: BS1

ARUP Laboratories, Molecular Genetics and Genomics, ARUP Laboratories
Classification: Uncertain significance for Charcot-Marie-Tooth disease type 4B3. Last evaluated: 2020-01-09. Review status: criteria provided, single submitter. Criteria: ARUP Molecular Germline Variant Investigation Process. Collection method: clinical testing. Allele origin: germline.
Comment: The SBF1 c.2393A>G; p.Asn798Ser variant (rs199705951), to our knowledge, is not reported in the medical literature but is reported in ClinVar (Variation ID: 709964). This variant is found in the African population with an overall allele frequency of 0.7% (179/23900 alleles, including a single homozygote) in the Genome Aggregation Database. The asparagine at codon 798 is highly conserved, but computational analyses (SIFT: tolerated, PolyPhen-2: possibly damaging) predict conflicting effects of this variant on protein structure/function. Due to limited information, the clinical significance of the p.Asn798Ser variant is uncertain at this time.

PreventionGenetics, part of Exact Sciences
Classification: Benign for SBF1-related condition. Last evaluated: 2022-08-29. Review status: no assertion criteria provided. Collection method: clinical testing. Allele origin: germline. Not counted in ClinVar's aggregate classification.
Comment: This variant is classified as benign based on ACMG/AMP sequence variant interpretation guidelines (Richards et al. 2015 PMID: 25741868, with internal and published modifications).

NM_002972.4(SBF1):c.2393A>G (p.Asn798Ser)

Gene: SBF1 (SET binding factor 1; minus strand). Cytogenetic location: 22q13.33.
Variant type: single nucleotide variant.
Coding change: c.2393A>G on transcript NM_002972.4 (MANE Select); coding-DNA position 2393, A replaced by G.
Protein change: p.Asn798Ser; replaces asparagine 798 with serine.
Molecular consequence: missense variant.
Genome position (GRCh38, 1-based): chr22:50,462,208, T>C on the plus strand (A>G on the coding strand, the complement: SBF1 is on the minus strand). VCF-style: chr22-50462208-T-C. GRCh37 (hg19) VCF-style: chr22-50900637-T-C.
Other names: p.Asn798Ser; c.2393A>G (NM_002972.2); c.2396A>G, p.Asn799Ser (NM_001365819.1); short protein forms N798S, N799S.
Identifiers: ClinVar variation 709964 (VCV000709964.22), dbSNP rs199705951, ClinGen allele CA10317252.